The following is an entry in ClinVar:

NM_001005242.3(PKP2):c.1294G>C (p.Glu432Gln)

Gene: PKP2 (plakophilin 2; minus strand). Cytogenetic location: 12p11.21.
Variant type: single nucleotide variant.
Coding change: c.1294G>C on transcript NM_001005242.3 (MANE Select); coding-DNA position 1294, G replaced by C.
Protein change: p.Glu432Gln; replaces glutamic acid 432 with glutamine.
Molecular consequence: missense variant.
Genome position (GRCh38, 1-based): chr12:32,850,850, C>G on the plus strand (G>C on the coding strand, the complement: PKP2 is on the minus strand). VCF-style: chr12-32850850-C-G. GRCh37 (hg19) VCF-style: chr12-33003784-C-G.
Other names: c.1294G>C, p.Glu432Gln (NM_004572.4); short protein forms E432Q.
Identifiers: ClinVar variation 1015704 (VCV001015704.11), dbSNP rs1956689490, ClinGen allele CA384370086.
Genomic context (GRCh38, chr12:32,850,850, plus strand): 5'-AGTCTCTGGTTTGCTTCAGCACCTGGAGCAGCCGAGGTACCCCATTTAGTTCAGCCACCT[C>G]CAATTTGTTGTCATTGTCTTCAAATACTAAGTTTCTCAAGGCCCCACACACAGCTCGCTG-3'
Protein context (NP_001005242.2, residues 422-442): LVFEDNDNKL[Glu432Gln]VAELNGVPRL

ClinVar aggregate classification (germline): Uncertain significance. Review status: criteria provided, multiple submitters, no conflicts (2 of 4 stars). 3 submissions from 3 submitters: Uncertain significance (3). Last evaluated 2021-11-19.

Conditions:
Cardiovascular phenotype. Identifiers: MedGen CN230736.
Arrhythmogenic right ventricular dysplasia 9 (ARVD9). Also called: Arrhythmogenic Right Ventricular Dysplasia/Cardiomyopathy 9; ARRHYTHMOGENIC RIGHT VENTRICULAR DYSPLASIA, FAMILIAL, 9. Identifiers: MedGen C1836906, MONDO:0012180, OMIM 609040.

Submissions (3):

Ambry Genetics
Classification: Uncertain significance for Cardiovascular phenotype. Last evaluated: 2021-11-19. Review status: criteria provided, single submitter. Criteria: Ambry Variant Classification Scheme 2023. Collection method: clinical testing. Allele origin: germline.
Comment: The p.E432Q variant (also known as c.1294G>C), located in coding exon 5 of the PKP2 gene, results from a G to C substitution at nucleotide position 1294. The glutamic acid at codon 432 is replaced by glutamine, an amino acid with highly similar properties. This amino acid position is conserved. In addition, the in silico prediction for this alteration is inconclusive. Since supporting evidence is limited at this time, the clinical significance of this alteration remains unclear.

Fulgent Genetics
Classification: Uncertain significance for Arrhythmogenic right ventricular dysplasia 9. Last evaluated: 2021-09-02. Review status: criteria provided, single submitter. Criteria: ACMG Guidelines, 2015. Collection method: clinical testing. Allele origin: unknown.

Labcorp Genetics (formerly Invitae), Labcorp
Classification: Uncertain significance for Arrhythmogenic right ventricular dysplasia 9. Last evaluated: 2020-07-19. Review status: criteria provided, single submitter. Criteria: Invitae Variant Classification Sherloc (09022015). Collection method: clinical testing. Allele origin: germline.
Comment: This variant has not been reported in the literature in individuals with PKP2-related conditions. This variant is not present in population databases (ExAC no frequency). This sequence change replaces glutamic acid with glutamine at codon 432 of the PKP2 protein (p.Glu432Gln). The glutamic acid residue is highly conserved and there is a small physicochemical difference between glutamic acid and glutamine. Algorithms developed to predict the effect of missense changes on protein structure and function (SIFT, PolyPhen-2, Align-GVGD) all suggest that this variant is likely to be disruptive, but these predictions have not been confirmed by published functional studies and their clinical significance is uncertain. In summary, the available evidence is currently insufficient to determine the role of this variant in disease. Therefore, it has been classified as a Variant of Uncertain Significance.